The following is an entry in ClinVar:

ClinVar aggregate classification (germline): Uncertain significance (1 of 4 stars; one submission).

Allele frequency attached by ClinVar (database versions not stated): gnomAD exomes below 0.00001; ExAC 0.00001.
gnomAD v4.1: 1 of 1,613,754 alleles (0.000062%); highest among the groups gnomAD compares: Non-Finnish European, 0.000085%; no homozygotes.

Submission:

Labcorp Genetics (formerly Invitae), Labcorp
Classification: Uncertain significance. Last evaluated: 2025-07-31. Review status: criteria provided, single submitter. Criteria: Invitae Variant Classification Sherloc (09022015). Collection method: clinical testing. Allele origin: germline.
Comment: This sequence change replaces glycine, which is neutral and non-polar, with serine, which is neutral and polar, at codon 691 of the SAMD9L protein (p.Gly691Ser). This variant is present in population databases (rs762457851, gnomAD 0.0009%). This variant has not been reported in the literature in individuals affected with SAMD9L-related conditions. ClinVar contains an entry for this variant (Variation ID: 2179227). Invitae Evidence Modeling of protein sequence and biophysical properties (such as structural, functional, and spatial information, amino acid conservation, physicochemical variation, residue mobility, and thermodynamic stability) indicates that this missense variant is not expected to disrupt SAMD9L protein function with a negative predictive value of 80%. In summary, the available evidence is currently insufficient to determine the role of this variant in disease. Therefore, it has been classified as a Variant of Uncertain Significance.

NM_152703.5(SAMD9L):c.2071G>A (p.Gly691Ser)

Gene: SAMD9L (sterile alpha motif domain containing 9 like; minus strand). Cytogenetic location: 7q21.2.
Variant type: single nucleotide variant.
Coding change: c.2071G>A on transcript NM_152703.5 (MANE Select); coding-DNA position 2071, G replaced by A.
Protein change: p.Gly691Ser; replaces glycine 691 with serine.
Molecular consequence: missense variant.
Genome position (GRCh38, 1-based): chr7:93,133,901, C>T on the plus strand (G>A on the coding strand, the complement: SAMD9L is on the minus strand). VCF-style: chr7-93133901-C-T. GRCh37 (hg19) VCF-style: chr7-92763214-C-T.
Other names: c.2071G>A, p.Gly691Ser (NM_001303496.3, NM_001303497.3, NM_001303498.3 and 5 more transcripts); short protein forms G691S.
Identifiers: ClinVar variation 2179227 (VCV002179227.4), dbSNP rs762457851, ClinGen allele CA4343639.